The following is an entry in ClinVar:

NM_001330311.2(DVL1):c.1673_1674dup (p.Ser559fs)

Gene: DVL1 (dishevelled segment polarity protein 1; minus strand). Cytogenetic location: 1p36.33.
Variant type: Duplication.
Coding change: c.1673_1674dup on transcript NM_001330311.2 (MANE Select); coding-DNA positions 1673 to 1674, 2 bases duplicated (TT; older notation c.1673_1674dupTT).
Protein change: p.Ser559fs; shifts the reading frame from serine 559.
Molecular consequence: frameshift variant.
Genome position (GRCh38, 1-based): chr1:1,338,017-1,338,018, AA duplicated on the plus strand (TT on the coding strand, the reverse complement: DVL1 is on the minus strand); duplicating any 2 consecutive bases within chr1:1,338,017-1,338,019 gives the same sequence; the c. name uses the placement nearest the transcript's 3' end. VCF-style (leftmost placement, unchanged base first): chr1-1338016-T-TAA. GRCh37 (hg19) VCF-style: chr1-1273396-T-TAA.
Other names: c.1598_1599dup, p.Ser534fs (NM_004421.3); short protein forms S534fs, S559fs.
Identifiers: ClinVar variation 2031992 (VCV002031992.4), dbSNP rs2523147257, ClinGen allele CA2580060429.

ClinVar aggregate classification (germline): Uncertain significance (1 of 4 stars; one submission).

Submission:

Labcorp Genetics (formerly Invitae), Labcorp
Classification: Uncertain significance. Last evaluated: 2022-09-23. Review status: criteria provided, single submitter. Criteria: Invitae Variant Classification Sherloc (09022015). Collection method: clinical testing. Allele origin: germline.
Comment: This sequence change creates a premature translational stop signal (p.Ser534Leufs*116) in the DVL1 gene. While this is not anticipated to result in nonsense mediated decay, it is expected to disrupt the last 137 amino acid(s) of the DVL1 protein. This variant is not present in population databases (gnomAD no frequency). This variant has not been reported in the literature in individuals affected with DVL1-related conditions. Experimental studies and prediction algorithms are not available or were not evaluated, and the functional significance of this variant is currently unknown. In summary, the available evidence is currently insufficient to determine the role of this variant in disease. Therefore, it has been classified as a Variant of Uncertain Significance.